The following is an entry in ClinVar:

ClinVar aggregate classification (germline): Uncertain significance (1 of 4 stars; one submission).

Allele frequency attached by ClinVar (database versions not stated): TOPMed below 0.00001; gnomAD 0.00001.
gnomAD v4.1: 5 of 1,595,340 alleles (0.00031%); highest among the groups gnomAD compares: Non-Finnish European, 0.00034%; no homozygotes.

Submission:

GeneDx
Classification: Uncertain significance. Last evaluated: 2019-02-18. Review status: criteria provided, single submitter. Criteria: GeneDx Variant Classification Process June 2021. Collection method: clinical testing. Allele origin: germline. Affected: yes.
Comment: Not observed in large population cohorts (Lek et al., 2016); In silico analysis, which includes protein predictors and evolutionary conservation, supports that this variant does not alter protein structure/function; Has not been previously published as pathogenic or benign to our knowledge

NM_001270.4(CHD1):c.429G>C (p.Lys143Asn)

Gene: CHD1 (chromodomain helicase DNA binding protein 1; minus strand). Cytogenetic location: 5q21.1.
Variant type: single nucleotide variant.
Coding change: c.429G>C on transcript NM_001270.4 (MANE Select); coding-DNA position 429, G replaced by C.
Protein change: p.Lys143Asn; replaces lysine 143 with asparagine.
Molecular consequence: missense variant. On other transcripts: non-coding transcript variant (2).
Genome position (GRCh38, 1-based): chr5:98,902,908, C>G on the plus strand (G>C on the coding strand, the complement: CHD1 is on the minus strand). VCF-style: chr5-98902908-C-G. GRCh37 (hg19) VCF-style: chr5-98238612-C-G.
Other names: c.429G>C, p.Lys143Asn (NM_001364113.3, NM_001376194.2); short protein forms K143N.
Identifiers: ClinVar variation 1214953 (VCV001214953.3), dbSNP rs1411740659, ClinGen allele CA360522991.